The following is an entry in ClinVar:

ClinVar aggregate classification (germline): Benign/Likely benign. Review status: criteria provided, multiple submitters, no conflicts (2 of 4 stars). 4 submissions from 4 submitters: Benign (1); Likely benign (3). Last evaluated 2025-10-19.

Conditions:
Hereditary cancer-predisposing syndrome. Also called: Tumor predisposition; Hereditary Cancer Syndrome; Hereditary neoplastic syndrome; Neoplastic Syndromes, Hereditary. Identifiers: Orphanet 140162, MedGen C0027672, MeSH D009386, MONDO:0015356.
Tuberous sclerosis syndrome (TSC). Also called: Tuberous Sclerosis Complex; Tuberous sclerosis. Identifiers: Orphanet 805, MedGen C0041341, MONDO:0001734.
Tuberous sclerosis 1 (TSC1). Identifiers: Orphanet 805, MedGen C1854465, MONDO:0008612, OMIM 191100.

Allele frequency attached by ClinVar (database versions not stated): TOPMed 0.00001.

Submissions (4):

Labcorp Genetics (formerly Invitae), Labcorp
Classification: Likely benign for Tuberous sclerosis 1. Last evaluated: 2025-10-19. Review status: criteria provided, single submitter. Criteria: Invitae Variant Classification Sherloc (09022015). Collection method: clinical testing. Allele origin: germline.

Myriad Genetics, Inc.
Classification: Benign for Tuberous sclerosis 1. Last evaluated: 2025-04-09. Review status: criteria provided, single submitter. Criteria: Myriad Autosomal Dominant, Autosomal Recessive and X-Linked Classification Criteria (2023). Collection method: clinical testing. Allele origin: unknown.
Comment: This variant is considered benign. This variant is a silent/synonymous amino acid change and it is not expected to impact splicing.

Color Diagnostics, LLC DBA Color Health
Classification: Likely benign for Tuberous sclerosis syndrome. Last evaluated: 2022-05-26. Review status: criteria provided, single submitter. Criteria: ACMG Guidelines, 2015. Collection method: clinical testing. Allele origin: germline.

Ambry Genetics
Classification: Likely benign for Hereditary cancer-predisposing syndrome. Last evaluated: 2015-10-17. Review status: criteria provided, single submitter. Criteria: Ambry Variant Classification Scheme 2023. Collection method: clinical testing. Allele origin: germline.

NM_000368.5(TSC1):c.1006C>A (p.Arg336=)

Gene: TSC1 (TSC complex subunit 1; minus strand). Cytogenetic location: 9q34.13.
Variant type: single nucleotide variant.
Coding change: c.1006C>A on transcript NM_000368.5 (MANE Select); coding-DNA position 1006, C replaced by A.
Protein change: p.Arg336=; no amino-acid change (arginine 336 retained).
Molecular consequence: synonymous variant.
Genome position (GRCh38, 1-based): chr9:132,911,476, G>T on the plus strand (C>A on the coding strand, the complement: TSC1 is on the minus strand). VCF-style: chr9-132911476-G-T. GRCh37 (hg19) VCF-style: chr9-135786863-G-T.
Other names: c.1006C>A, p.Arg336= (NM_001162426.2); c.853C>A, p.Arg285= (NM_001162427.2); c.643C>A, p.Arg215= (NM_001362177.2).
Identifiers: ClinVar variation 237693 (VCV000237693.15), dbSNP rs118203483, ClinGen allele CA026692.